The following is an entry in ClinVar:

NM_001366145.2(TRPM3):c.3431A>G (p.Tyr1144Cys)

Gene: TRPM3 (transient receptor potential cation channel subfamily M member 3; minus strand). Cytogenetic location: 9q21.12.
Variant type: single nucleotide variant.
Coding change: c.3431A>G on transcript NM_001366145.2 (MANE Select); coding-DNA position 3431, A replaced by G.
Protein change: p.Tyr1144Cys; replaces tyrosine 1144 with cysteine.
Molecular consequence: missense variant.
Genome position (GRCh38, 1-based): chr9:70,552,987, T>C on the plus strand (A>G on the coding strand, the complement: TRPM3 is on the minus strand). VCF-style: chr9-70552987-T-C. GRCh37 (hg19) VCF-style: chr9-73167903-T-C.
Other names: c.3395A>G, p.Tyr1132Cys (NM_001007471.4, NM_001366151.2); c.3401A>G, p.Tyr1134Cys (NM_001366141.2, NM_001366143.2, NM_001366149.2); c.3437A>G, p.Tyr1146Cys (NM_001366142.2); c.3431A>G, p.Tyr1144Cys (NM_001366146.2); c.3506A>G, p.Tyr1169Cys (NM_001366147.2, NM_001366152.2); c.3476A>G, p.Tyr1159Cys (NM_001366148.2); c.3365A>G, p.Tyr1122Cys (NM_001366150.2); c.2972A>G, p.Tyr991Cys (NM_001366154.2, NM_024971.7); and 5 more; short protein forms Y1004C, Y1122C, Y1132C, Y1134C, Y1144C, Y1146C, Y1159C, Y1169C.
Identifiers: ClinVar variation 2412979 (VCV002412979.3), dbSNP rs2538309346, ClinGen allele CA373553811.
Genomic context (GRCh38, chr9:70,552,987, plus strand): 5'-CTGAAGATGATCAGTGGTGGGGGCAGAACTGGCCTTTCATGGAAAGTCATGATGAGCTGA[T>C]ACCTCTGAAACTTCCAGACTTGGTTGGATATCGATTTTACTTCAAAAAATGTATTGCTAA-3'
Protein context (NP_001353074.1, residues 1134-1154): ISNQVWKFQR[Tyr1144Cys]QLIMTFHERP

ClinVar aggregate classification (germline): Likely pathogenic (1 of 4 stars; one submission).

Submission:

GeneDx
Classification: Likely pathogenic. Last evaluated: 2023-01-30. Review status: criteria provided, single submitter. Criteria: GeneDx Variant Classification Process June 2021. Collection method: clinical testing. Allele origin: germline. Affected: yes.
Comment: Not observed at significant frequency in large population cohorts (gnomAD); In silico analysis supports that this missense variant has a deleterious effect on protein structure/function; Has not been previously published as pathogenic or benign to our knowledge